The following is an entry in ClinVar:

ClinVar aggregate classification (germline): not provided (0 of 4 stars; one submission).

Allele frequency attached by ClinVar (database versions not stated): gnomAD exomes 0.00001; TOPMed 0.00170.
gnomAD v4.1: 1 of 238,134 alleles (0.00042%); highest among the groups gnomAD compares: Non-Finnish European, 0.00073%; no homozygotes.

Submission:

Human Evolutionary Genetics, Institut Pasteur
No classification provided. Review status: no classification provided. Collection method: not provided. Allele origin: germline.
ClinVar note: Converted during submission from untested to not provided.

NC_000011.10:g.7963799C>T

Gene: NLRP10 (NLR family pyrin domain containing 10; minus strand). Cytogenetic location: 11p15.4.
Variant type: single nucleotide variant.
Genome position: GRCh38 VCF-style: chr11-7963799-C-T. GRCh37 (hg19) VCF-style: chr11-7985346-C-T.
Identifiers: ClinVar variation 102951 (VCV000102951.2), dbSNP rs199475852, ClinGen allele CA229914.